The following is an entry in ClinVar:

NM_001267550.2(TTN):c.11113del (p.Arg3705fs)

Gene: TTN (titin; minus strand). Cytogenetic location: 2q31.2.
Variant type: Deletion.
Coding change: c.11113del on transcript NM_001267550.2 (MANE Select); coding-DNA position 11113, one base deleted (A; older notation c.11113delA).
Protein change: p.Arg3705fs; shifts the reading frame from arginine 3705.
Molecular consequence: frameshift variant. On other transcripts: intron variant (5).
Genome position (GRCh38, 1-based): chr2:178,756,363, T deleted on the plus strand (A on the coding strand, the reverse complement: TTN is on the minus strand). VCF-style (leftmost placement, unchanged base first): chr2-178756362-CT-C. GRCh37 (hg19) VCF-style: chr2-179621089-CT-C.
Other names: c.11113delA (LRG_391t1); c.10600del, p.Arg3534fs (NM_133437.4); c.10165+2621del (NM_003319.4); c.10540+1179del (NM_133432.3); c.10303+2621del (NM_133378.4, NM_001256850.1, NM_133379.5); short protein forms R3534fs, R3705fs.
Identifiers: ClinVar variation 223346 (VCV000223346.2), dbSNP rs746386040, ClinGen allele CA090490.

ClinVar aggregate classification (germline): Uncertain significance. Review status: criteria provided, multiple submitters, no conflicts (2 of 4 stars). 2 submissions from 2 submitters: Uncertain significance (2). Last evaluated 2022-01-06.

Conditions:
Primary dilated cardiomyopathy (DCM). Also called: Dilated Cardiomyopathy. Identifiers: Orphanet 217604, MedGen C0007193, MeSH D002311, MONDO:0005021, HP:0001644. Inheritance: Various modes of inheritance.

Allele frequency attached by ClinVar (database versions not stated): gnomAD 0.00011 and 0.00009; gnomAD exomes 0.00001; ExAC 0.00002; TOPMed 0.00009; ESP Exome Variant Server 0.00017.

Submissions (2):

AiLife Diagnostics
Classification: Uncertain significance. Last evaluated: 2022-01-06. Review status: criteria provided, single submitter. Criteria: ACMG Guidelines, 2015. Collection method: clinical testing. Allele origin: germline. Affected: yes. Observed: 1 variant allele.

Cardiovascular Biomedical Research Unit, Royal Brompton & Harefield NHS Foundation Trust
Classification: Uncertain significance for Primary dilated cardiomyopathy. Last evaluated: 2014-10-08. Review status: criteria provided, single submitter. Criteria: Roberts et al. 2015. Collection method: research. Allele origin: germline. Inheritance: Autosomal dominant inheritance. Affected: no. Observed: 2 variant alleles. Study: JHS cohort.
Comment: This TTN truncating variant (TTNtv) was identified in two individuals in this cohort and is located in an exon with low levels of cardiac expression. In the seven cohorts assessed, TTNtv were found in 14% of ambulant DCM, 22% end-stage or familial DCM, and 2% controls. Heterozygous nonsense, frameshift and canonical splice-disrupting variants found in constitutive and other highly utilised exons are highly likely to be pathogenic when identified in individuals with phenotypically confirmed DCM. TTNtv found incidentally in healthy individuals (excluding familial assessment of DCM relatives) are thought to have low penetrance, particularly when identified in exons that are not constitutively expressed in the heart.

Literature cited by the submitters: PubMed 25589632 (cited by AiLife Diagnostics).